The following is an entry in ClinVar:

NM_000368.5(TSC1):c.365T>C (p.Met122Thr)

Gene: TSC1 (TSC complex subunit 1; minus strand). Cytogenetic location: 9q34.13.
Variant type: single nucleotide variant.
Coding change: c.365T>C on transcript NM_000368.5 (MANE Select); coding-DNA position 365, T replaced by C.
Protein change: p.Met122Thr; replaces methionine 122 with threonine.
Molecular consequence: missense variant. On other transcripts: initiator codon variant (1).
Genome position (GRCh38, 1-based): chr9:132,923,491, A>G on the plus strand (T>C on the coding strand, the complement: TSC1 is on the minus strand). VCF-style: chr9-132923491-A-G. GRCh37 (hg19) VCF-style: chr9-135798878-A-G.
Other names: p.M122T:ATG>ACG; c.365T>C, p.Met122Thr (NM_001162426.2); c.212T>C, p.Met71Thr (NM_001162427.2); c.2T>C, p.Met1Thr (NM_001362177.2); short protein forms M122T, M1T, M71T.
Identifiers: ClinVar variation 207626 (VCV000207626.7), dbSNP rs796053454, ClinGen allele CA319278.

ClinVar aggregate classification (germline): Uncertain significance. Review status: criteria provided, multiple submitters, no conflicts (2 of 4 stars). 3 submissions from 3 submitters: Uncertain significance (3). Last evaluated 2024-01-25.

Conditions:
Tuberous sclerosis 1 (TSC1). Identifiers: Orphanet 805, MedGen C1854465, MONDO:0008612, OMIM 191100.

Submissions (3):

Labcorp Genetics (formerly Invitae), Labcorp
Classification: Uncertain significance for Tuberous sclerosis 1. Last evaluated: 2024-01-25. Review status: criteria provided, single submitter. Criteria: Invitae Variant Classification Sherloc (09022015). Collection method: clinical testing. Allele origin: germline.
Comment: This sequence change replaces methionine, which is neutral and non-polar, with threonine, which is neutral and polar, at codon 122 of the TSC1 protein (p.Met122Thr). This variant is not present in population databases (gnomAD no frequency). This variant has not been reported in the literature in individuals affected with TSC1-related conditions. ClinVar contains an entry for this variant (Variation ID: 207626). Algorithms developed to predict the effect of missense changes on protein structure and function output the following: SIFT: "Not Available"; PolyPhen-2: "Benign"; Align-GVGD: "Not Available". The threonine amino acid residue is found in multiple mammalian species, which suggests that this missense change does not adversely affect protein function. In summary, the available evidence is currently insufficient to determine the role of this variant in disease. Therefore, it has been classified as a Variant of Uncertain Significance.

Blueprint Genetics
Classification: Uncertain significance. Last evaluated: 2020-03-06. Review status: criteria provided, single submitter. Criteria: ACMG Guidelines, 2015. Collection method: clinical testing. Allele origin: germline.

GeneDx
Classification: Uncertain significance. Last evaluated: 2014-03-03. Review status: criteria provided, single submitter. Criteria: GeneDx Variant Classification (06012015). Collection method: clinical testing. Allele origin: germline. Affected: yes.
Comment: p.Met122Thr (ATG>ACG): c.365 T>C in exon 6 of the TSC1 gene (NM_000368.4). The Met122Thr variant has not been published as a mutation, nor has it been reported as a benign polymorphism to our knowledge. It was not observed in approximately 6,500 individuals of European and African American ancestry in the NHLBI Exome Sequencing Project, indicating it is not a common benign variant in these populations. The Met122Thr variant is a non-conservative amino acid substitution, which is likely to impact secondary protein structure as these residues differ in polarity, charge, size and/or other properties. However, this substitution occurs at a position that is not conserved across species and Threonine is observed at this position in other species. In silico analysis predicts this variant likely does not alter the protein structure/function. Additionally, the vast majority of TSC1 mutations result in protein truncation, while missense mutations have been reported only rarely (Northrup et al., 2011; Au et al., 2007). Therefore, based on the currently available information, it is unclear whether this variant is a pathogenic mutation or a rare benign variant. The variant is found in INFANT-EPI panel(s).